The following is an entry in ClinVar:

ClinVar aggregate classification (germline): Uncertain significance (1 of 4 stars; one submission).

Conditions:
Inborn genetic diseases. Identifiers: MedGen C0950123, MeSH D030342.

Submission:

Ambry Genetics
Classification: Uncertain significance for Inborn genetic diseases. Last evaluated: 2023-03-13. Review status: criteria provided, single submitter. Criteria: Ambry Variant Classification Scheme 2023. Collection method: clinical testing. Allele origin: germline.
Comment: The p.H828R variant (also known as c.2483A>G), located in coding exon 15 of the CDH2 gene, results from an A to G substitution at nucleotide position 2483. The histidine at codon 828 is replaced by arginine, an amino acid with highly similar properties. This amino acid position is conserved. In addition, the in silico prediction for this alteration is inconclusive. Since supporting evidence is limited at this time, the clinical significance of this alteration remains unclear.

NM_001792.5(CDH2):c.2483A>G (p.His828Arg)

Genes: CDH2 (cadherin 2; minus strand), CDH2-AS1 (CDH2 antisense RNA 1; plus strand). Cytogenetic location: 18q12.1.
Variant type: single nucleotide variant.
Coding change: c.2483A>G on transcript NM_001792.5 (MANE Select); coding-DNA position 2483, A replaced by G.
Protein change: p.His828Arg; replaces histidine 828 with arginine.
Molecular consequence: missense variant.
Genome position (GRCh38, 1-based): chr18:27,963,388, T>C on the plus strand (A>G on the coding strand, the complement: CDH2 is on the minus strand). VCF-style: chr18-27963388-T-C. GRCh37 (hg19) VCF-style: chr18-25543352-T-C.
Other names: c.2390A>G, p.His797Arg (NM_001308176.2); short protein forms H797R, H828R.
Identifiers: ClinVar variation 2451013 (VCV002451013.2), dbSNP rs2510776861, ClinGen allele CA402103856.